The following is an entry in ClinVar:

NM_001297.5(CNGB1):c.1465G>A (p.Val489Met)

Gene: CNGB1 (cyclic nucleotide gated channel subunit beta 1; minus strand). Cytogenetic location: 16q21.
Variant type: single nucleotide variant.
Coding change: c.1465G>A on transcript NM_001297.5 (MANE Select); coding-DNA position 1465, G replaced by A.
Protein change: p.Val489Met; replaces valine 489 with methionine.
Molecular consequence: missense variant.
Genome position (GRCh38, 1-based): chr16:57,931,786, C>T on the plus strand (G>A on the coding strand, the complement: CNGB1 is on the minus strand). VCF-style: chr16-57931786-C-T. GRCh37 (hg19) VCF-style: chr16-57965690-C-T.
Other names: c.1465G>A (NM_001297.4); c.1447G>A, p.Val483Met (NM_001286130.2); short protein forms V483M, V489M.
Identifiers: ClinVar variation 1038808 (VCV001038808.9), dbSNP rs573860701, ClinGen allele CA8083422.

ClinVar aggregate classification (germline): Uncertain significance. Review status: criteria provided, multiple submitters, no conflicts (2 of 4 stars). 2 submissions from 2 submitters: Uncertain significance (2). Last evaluated 2025-08-14.

Conditions:
Inborn genetic diseases. Identifiers: MedGen C0950123, MeSH D030342.

Allele frequency attached by ClinVar (database versions not stated): ExAC 0.00001; gnomAD 0.00001; TOPMed 0.00001; gnomAD exomes 0.00002 and 0.00003; 1000 Genomes Project 0.00020; 1000 Genomes Project 30x 0.00031.
gnomAD v4.1: 41 of 1,614,112 alleles (0.0025%); highest among the groups gnomAD compares: Middle Eastern, 0.016%; no homozygotes.

Submissions (2):

Ambry Genetics
Classification: Uncertain significance for Inborn genetic diseases. Last evaluated: 2025-08-14. Review status: criteria provided, single submitter. Criteria: Ambry Variant Classification Scheme 2023. Collection method: clinical testing. Allele origin: germline.

Labcorp Genetics (formerly Invitae), Labcorp
Classification: Uncertain significance. Last evaluated: 2022-09-06. Review status: criteria provided, single submitter. Criteria: Invitae Variant Classification Sherloc (09022015). Collection method: clinical testing. Allele origin: germline.
Comment: In summary, the available evidence is currently insufficient to determine the role of this variant in disease. Therefore, it has been classified as a Variant of Uncertain Significance. Advanced modeling of protein sequence and biophysical properties (such as structural, functional, and spatial information, amino acid conservation, physicochemical variation, residue mobility, and thermodynamic stability) performed at Invitae indicates that this missense variant is not expected to disrupt CNGB1 protein function. ClinVar contains an entry for this variant (Variation ID: 1038808). This variant has not been reported in the literature in individuals affected with CNGB1-related conditions. This variant is present in population databases (rs573860701, gnomAD 0.01%). This sequence change replaces valine, which is neutral and non-polar, with methionine, which is neutral and non-polar, at codon 489 of the CNGB1 protein (p.Val489Met).